The following is an entry in ClinVar:

NM_019066.5(MAGEL2):c.313C>T (p.Pro105Ser)

Gene: MAGEL2 (MAGE family member L2; minus strand). Cytogenetic location: 15q11.2.
Variant type: single nucleotide variant.
Coding change: c.313C>T on transcript NM_019066.5 (MANE Select); coding-DNA position 313, C replaced by T.
Protein change: p.Pro105Ser; replaces proline 105 with serine.
Molecular consequence: missense variant.
Genome position (GRCh38, 1-based): chr15:23,647,430, G>A on the plus strand (C>T on the coding strand, the complement: MAGEL2 is on the minus strand). VCF-style: chr15-23647430-G-A. GRCh37 (hg19) VCF-style: chr15-23892577-G-A.
Other names: short protein forms P105S.
Identifiers: ClinVar variation 4992968 (VCV004992968.1).

ClinVar aggregate classification (germline): Uncertain significance (1 of 4 stars; one submission).

Conditions:
MAGEL2-related disorder. Also called: MAGEL2-related condition.

Submission:

PreventionGenetics, part of Exact Sciences
Classification: Uncertain significance for MAGEL2-related condition. Last evaluated: 2026-07-21. Review status: criteria provided, single submitter. Criteria: ACMG Guidelines, 2015. Collection method: clinical testing. Allele origin: germline.
Comment: The MAGEL2 c.313C>T variant is predicted to result in the amino acid substitution p.Pro105Ser. To our knowledge, this variant has not been reported in the literature or in a large population database (gnomAD), indicating this variant is rare. At this time, the clinical significance of this variant is uncertain due to the absence of conclusive functional and genetic evidence.